The following is an entry in ClinVar:

NM_002838.5(PTPRC):c.500C>T (p.Thr167Ile)

Gene: PTPRC (protein tyrosine phosphatase receptor type C; plus strand). Cytogenetic location: 1q32.1.
Variant type: single nucleotide variant.
Coding change: c.500C>T on transcript NM_002838.5 (MANE Select); coding-DNA position 500, C replaced by T.
Protein change: p.Thr167Ile; replaces threonine 167 with isoleucine.
Molecular consequence: missense variant. On other transcripts: intron variant (1).
Genome position (GRCh38, 1-based): chr1:198,702,447, C>T. VCF-style: chr1-198702447-C-T. GRCh37 (hg19) VCF-style: chr1-198671576-C-T.
Other names: c.101-851C>T (NM_080921.4); short protein forms T167I.
Identifiers: ClinVar variation 859774 (VCV000859774.7), dbSNP rs1666509501, ClinGen allele CA344097538.

ClinVar aggregate classification (germline): Uncertain significance (1 of 4 stars; one submission).

Conditions:
Immunodeficiency 104. Also called: Severe combined immunodeficiency, autosomal recessive, T cell-negative, B cell-positive, NK cell-positive; SCID, AUTOSOMAL RECESSIVE, T CELL-NEGATIVE, B CELL-POSITIVE, NK CELL-POSITIVE; IMMUNODEFICIENCY 104, SEVERE COMBINED; Severe Combined Immune Deficiency, Autosomal Recessive, TCell -Negative, B Cell-Positive, NK Cell-Positive, IL7R-Related. Identifiers: MedGen C5676890, MONDO:0012163, OMIM 608971.

Submission:

Labcorp Genetics (formerly Invitae), Labcorp
Classification: Uncertain significance for Immunodeficiency 104. Last evaluated: 2021-08-20. Review status: criteria provided, single submitter. Criteria: Invitae Variant Classification Sherloc (09022015). Collection method: clinical testing. Allele origin: germline.
Comment: This sequence change replaces threonine with isoleucine at codon 167 of the PTPRC protein (p.Thr167Ile). The threonine residue is weakly conserved and there is a moderate physicochemical difference between threonine and isoleucine. This variant is not present in population databases (ExAC no frequency). This variant has not been reported in the literature in individuals affected with PTPRC-related conditions. Algorithms developed to predict the effect of missense changes on protein structure and function (SIFT, PolyPhen-2, Align-GVGD) all suggest that this variant is likely to be tolerated. In summary, the available evidence is currently insufficient to determine the role of this variant in disease. Therefore, it has been classified as a Variant of Uncertain Significance.